The following is an entry in ClinVar:

NM_000424.4(KRT5):c.455C>T (p.Pro152Leu)

Gene: KRT5 (keratin 5; minus strand). Cytogenetic location: 12q13.13.
Variant type: single nucleotide variant.
Coding change: c.455C>T on transcript NM_000424.4 (MANE Select); coding-DNA position 455, C replaced by T.
Protein change: p.Pro152Leu; replaces proline 152 with leucine.
Molecular consequence: missense variant.
Genome position (GRCh38, 1-based): chr12:52,519,842, G>A on the plus strand (C>T on the coding strand, the complement: KRT5 is on the minus strand). VCF-style: chr12-52519842-G-A. GRCh37 (hg19) VCF-style: chr12-52913626-G-A.
Other names: short protein forms P152L.
Identifiers: ClinVar variation 66243 (VCV000066243.2), dbSNP rs60617604, ClinGen allele CA216722.

ClinVar aggregate classification (germline): Likely pathogenic. Review status: criteria provided, single submitter (1 of 4 stars). 2 submissions from 2 submitters: Likely pathogenic (1). 1 of the submissions does not count toward it. Last evaluated 2025-03-10.

Allele frequency attached by ClinVar (database versions not stated): gnomAD exomes below 0.00001.

Submissions (2):

GeneDx
Classification: Likely pathogenic. Last evaluated: 2025-03-10. Review status: criteria provided, single submitter. Criteria: GeneDx Variant Classification Process June 2021. Collection method: clinical testing. Allele origin: germline. Affected: yes.
Comment: Not observed at significant frequency in large population cohorts (gnomAD); In silico analysis supports that this missense variant has a deleterious effect on protein structure/function; This variant is associated with the following publications: (PMID: 21176769, 9804357)

Epithelial Biology;  Institute of Medical Biology, Singapore
No classification provided. Review status: no classification provided. Collection method: not provided. Allele origin: not provided. Not counted in ClinVar's aggregate classification.